The following is an entry in ClinVar:

NM_001875.5(CPS1):c.3952T>A (p.Leu1318Met)

Gene: CPS1 (carbamoyl-phosphate synthase 1; plus strand). Cytogenetic location: 2q34.
Variant type: single nucleotide variant.
Coding change: c.3952T>A on transcript NM_001875.5 (MANE Select); coding-DNA position 3952, T replaced by A.
Protein change: p.Leu1318Met; replaces leucine 1318 with methionine.
Molecular consequence: missense variant. On other transcripts: non-coding transcript variant (2).
Genome position (GRCh38, 1-based): chr2:210,663,147, T>A. VCF-style: chr2-210663147-T-A. GRCh37 (hg19) VCF-style: chr2-211527871-T-A.
Other names: c.3952T>A, p.Leu1318Met (NM_001122633.3, NM_001369257.1); c.3985T>A, p.Leu1329Met (NM_001369256.1); short protein forms L1318M, L1329M.
Identifiers: ClinVar variation 1312372 (VCV001312372.3), dbSNP rs769593170, ClinGen allele CA350439295.
Genomic context (GRCh38, chr2:210,663,147, plus strand): 5'-CATAATTTTTCTCCCTGTTTTTTTTTTTTCCAACAGGCTCCCATGTTTTCCTGGCCCCGG[T>A]TGAGGGATGCTGACCCCATTCTGAGATGTGAGATGGCTTCCACTGGAGAGGTAACTAGTT-3'
Protein context (NP_001866.2, residues 1308-1328): IKAPMFSWPR[Leu1318Met]RDADPILRCE

ClinVar aggregate classification (germline): Uncertain significance (1 of 4 stars; one submission).

Submission:

GeneDx
Classification: Uncertain significance. Last evaluated: 2024-05-15. Review status: criteria provided, single submitter. Criteria: GeneDx Variant Classification Process June 2021. Collection method: clinical testing. Allele origin: germline. Affected: yes.
Comment: Not observed at significant frequency in large population cohorts (gnomAD); In silico analysis indicates that this missense variant does not alter protein structure/function; Has not been previously published as pathogenic or benign to our knowledge